The following is an entry in ClinVar:

ClinVar aggregate classification (germline): Uncertain significance (1 of 4 stars; one submission).

Conditions:
Nemaline myopathy 2 (NEM2). Also called: Nemaline myopathy 2, autosomal recessive. Identifiers: MedGen C1850569, MONDO:0009725, OMIM 256030.

Submission:

Labcorp Genetics (formerly Invitae), Labcorp
Classification: Uncertain significance for Nemaline myopathy 2. Last evaluated: 2019-09-19. Review status: criteria provided, single submitter. Criteria: Invitae Variant Classification Sherloc (09022015). Collection method: clinical testing. Allele origin: germline.
Comment: In summary, the available evidence is currently insufficient to determine the role of this variant in disease. Therefore, it has been classified as a Variant of Uncertain Significance. Algorithms developed to predict the effect of missense changes on protein structure and function are either unavailable or do not agree on the potential impact of this missense change (SIFT: "Deleterious"; PolyPhen-2: "Not Available"; Align-GVGD: "Class C0"). This variant has not been reported in the literature in individuals with NEB-related conditions. This variant is not present in population databases (ExAC no frequency). This sequence change replaces leucine with proline at codon 1711 of the NEB protein (p.Leu1711Pro). The leucine residue is moderately conserved and there is a moderate physicochemical difference between leucine and proline.

NM_001164508.2(NEB):c.5132T>C (p.Leu1711Pro)

Gene: NEB (nebulin; minus strand). Cytogenetic location: 2q23.3.
Variant type: single nucleotide variant.
Coding change: c.5132T>C on transcript NM_001164508.2 (MANE Select); coding-DNA position 5132, T replaced by C.
Protein change: p.Leu1711Pro; replaces leucine 1711 with proline.
Molecular consequence: missense variant.
Genome position (GRCh38, 1-based): chr2:151,665,439, A>G on the plus strand (T>C on the coding strand, the complement: NEB is on the minus strand). VCF-style: chr2-151665439-A-G. GRCh37 (hg19) VCF-style: chr2-152521953-A-G.
Other names: c.5132T>C, p.Leu1711Pro (NM_001164507.2, NM_001271208.2, NM_004543.5); short protein forms L1711P.
Identifiers: ClinVar variation 935129 (VCV000935129.9), dbSNP rs2099203051, ClinGen allele CA348812253.
Genomic context (GRCh38, chr2:151,665,439, plus strand): 5'-GTGTCCATGGCGTAAGTGAACTTCAGCTTCTCGGGGTGCTGGCGATACTTCTTCTCACTA[A>G]GAATCTCTCCTGCTTTCTTTGCCTTCTCCACCTCCAGGGACTCTATGGGCACCCAGCCGA-3'
Protein context (NP_001157980.2, residues 1701-1721): VEKAKKAGEI[Leu1711Pro]SEKKYRQHPE